The following is an entry in ClinVar:

ClinVar aggregate classification (germline): Uncertain significance (1 of 4 stars; one submission).

Conditions:
PLXNA3-related disorder. Also called: PLXNA3-related condition.

Submission:

PreventionGenetics, part of Exact Sciences
Classification: Uncertain significance for PLXNA3-related condition. Last evaluated: 2026-05-19. Review status: criteria provided, single submitter. Criteria: ACMG Guidelines, 2015. Collection method: clinical testing. Allele origin: germline.
Comment: The PLXNA3 c.4864C>T variant is predicted to result in premature protein termination (p.Gln1622*). To our knowledge, this variant has not been reported in the literature. This variant is reported in 0.0036% of alleles in individuals of Latino descent in gnomAD. Loss of function is not a well-established mechanism of disease for PLXNA3, and therefore the clinical significance of this variant is currently uncertain due to the absence of conclusive functional and genetic evidence.

NM_017514.5(PLXNA3):c.4864C>T (p.Gln1622Ter)

Gene: PLXNA3 (plexin A3; plus strand). Cytogenetic location: Xq28.
Variant type: single nucleotide variant.
Coding change: c.4864C>T on transcript NM_017514.5 (MANE Select); coding-DNA position 4864, C replaced by T.
Protein change: p.Gln1622Ter; replaces glutamine 1622 with a stop codon.
Molecular consequence: nonsense.
Genome position (GRCh38, 1-based): chrX:154,470,045, C>T. VCF-style: chrX-154470045-C-T. GRCh37 (hg19) VCF-style: chrX-153698388-C-T.
Other names: short protein forms Q1622*.
Identifiers: ClinVar variation 4989448 (VCV004989448.1).